The following is an entry in ClinVar:

NM_170682.4(P2RX2):c.826G>C (p.Ala276Pro)

Gene: P2RX2 (purinergic receptor P2X 2; plus strand). Cytogenetic location: 12q24.33.
Variant type: single nucleotide variant.
Coding change: c.826G>C on transcript NM_170682.4 (MANE Select); coding-DNA position 826, G replaced by C.
Protein change: p.Ala276Pro; replaces alanine 276 with proline.
Molecular consequence: missense variant.
Genome position (GRCh38, 1-based): chr12:132,621,052, G>C. VCF-style: chr12-132621052-G-C. GRCh37 (hg19) VCF-style: chr12-133197638-G-C.
Other names: c.724G>C, p.Ala242Pro (NM_001282164.2); c.826G>C, p.Ala276Pro (NM_001282165.2, NM_170683.4, NM_174873.3); c.610G>C, p.Ala204Pro (NM_012226.5); c.754G>C, p.Ala252Pro (NM_016318.4); c.550G>C, p.Ala184Pro (NM_174872.3); short protein forms A242P, A252P, A184P, A204P, A276P.
Identifiers: ClinVar variation 3647450 (VCV003647450.2).

ClinVar aggregate classification (germline): Uncertain significance (1 of 4 stars; one submission).

Submission:

Labcorp Genetics (formerly Invitae), Labcorp
Classification: Uncertain significance. Last evaluated: 2024-03-24. Review status: criteria provided, single submitter. Criteria: Invitae Variant Classification Sherloc (09022015). Collection method: clinical testing. Allele origin: germline.
Comment: This sequence change replaces alanine, which is neutral and non-polar, with proline, which is neutral and non-polar, at codon 276 of the P2RX2 protein (p.Ala276Pro). This variant is not present in population databases (gnomAD no frequency). This variant has not been reported in the literature in individuals affected with P2RX2-related conditions. Advanced modeling of protein sequence and biophysical properties (such as structural, functional, and spatial information, amino acid conservation, physicochemical variation, residue mobility, and thermodynamic stability) performed at Invitae indicates that this missense variant is not expected to disrupt P2RX2 protein function with a negative predictive value of 80%. In summary, the available evidence is currently insufficient to determine the role of this variant in disease. Therefore, it has been classified as a Variant of Uncertain Significance.